The following is an entry in ClinVar:

NM_001377.3(DYNC2H1):c.10729C>T (p.Arg3577Ter)

Gene: DYNC2H1 (dynein cytoplasmic 2 heavy chain 1; plus strand). Cytogenetic location: 11q22.3.
Variant type: single nucleotide variant.
Coding change: c.10729C>T on transcript NM_001377.3 (MANE Select); coding-DNA position 10729, C replaced by T.
Protein change: p.Arg3577Ter; replaces arginine 3577 with a stop codon.
Molecular consequence: nonsense.
Genome position (GRCh38, 1-based): chr11:103,280,381, C>T. VCF-style: chr11-103280381-C-T. GRCh37 (hg19) VCF-style: chr11-103151110-C-T.
Other names: c.10750C>T, p.Arg3584Ter (NM_001080463.2); short protein forms R3584*, R3577*.
Identifiers: ClinVar variation 632149 (VCV000632149.10), dbSNP rs373536938, ClinGen allele CA6255042.

ClinVar aggregate classification (germline): Pathogenic/Likely pathogenic. Review status: criteria provided, multiple submitters, no conflicts (2 of 4 stars). 4 submissions from 4 submitters: Pathogenic (2); Likely pathogenic (2). Last evaluated 2026-02-25.

Conditions:
Asphyxiating thoracic dystrophy 3. Also called: Saldino-Noonan Syndrome; SHORT-RIB THORACIC DYSPLASIA 3 WITH OR WITHOUT POLYDACTYLY; POLYDACTYLY WITH NEONATAL CHONDRODYSTROPHY, TYPE I; SHORT-RIB THORACIC DYSPLASIA 3/6 WITH POLYDACTYLY, DIGENIC; Short rib polydactyly syndrome 2B. Identifiers: Orphanet 474, Orphanet 93269, Orphanet 93270, Orphanet 93271, MedGen C0036069, MONDO:0013127, OMIM 613091.
DYNC2H1-related disorder. Also called: DYNC2H1-related condition; DYNC2H1-related disorders. Identifiers: MedGen CN378770.
Jeune thoracic dystrophy. Also called: Short-rib thoracic dysplasia; Jeune syndrome; Infantile thoracic dystrophy; Thoracic pelvic phalangeal dystrophy; Jeune's syndrome; Chondroectodermal dysplasia-like syndrome. Identifiers: Orphanet 474, MedGen C0265275, MONDO:0018770.

Allele frequency attached by ClinVar (database versions not stated): ESP Exome Variant Server 0.00009; gnomAD 0.00001; TOPMed 0.00001; gnomAD exomes 0.00001; ExAC 0.00004.
gnomAD v4.1: 21 of 1,555,544 alleles (0.0014%); highest among the groups gnomAD compares: Non-Finnish European, 0.0014%; no homozygotes.

Submissions (4):

PreventionGenetics, part of Exact Sciences
Classification: Likely pathogenic for DYNC2H1-related condition. Last evaluated: 2026-02-25. Review status: criteria provided, single submitter. Criteria: ACMG Guidelines, 2015. Collection method: clinical testing. Allele origin: germline.
Comment: The DYNC2H1 c.10750C>T variant is predicted to result in premature protein termination (p.Arg3584*). To our knowledge, this variant has not been reported in the literature. This variant is reported in 0.0031% of alleles in individuals of European (Non-Finnish) descent in gnomAD. Nonsense variants in DYNC2H1 are expected to be pathogenic. This variant is interpreted as likely pathogenic.

Myriad Genetics, Inc.
Classification: Pathogenic for Asphyxiating thoracic dystrophy 3. Last evaluated: 2024-05-23. Review status: criteria provided, single submitter. Criteria: Myriad Autosomal Dominant, Autosomal Recessive and X-Linked Classification Criteria (2023). Collection method: clinical testing. Allele origin: unknown.
Comment: NM_001377.2(DYNC2H1):c.10729C>T(R3577*) is expected to be pathogenic in the context of DYNC2H1-related disorders. This variant is predicted to lead to an abnormal or absent protein product due to the creation of a premature termination codon in DYNC2H1, a gene where loss-of-function variants are known to be pathogenic. Please note: this variant was assessed in the context of healthy population screening.

Fulgent Genetics
Classification: Likely pathogenic for Asphyxiating thoracic dystrophy 3. Last evaluated: 2024-05-17. Review status: criteria provided, single submitter. Criteria: ACMG Guidelines, 2015. Collection method: clinical testing. Allele origin: germline.

Labcorp Genetics (formerly Invitae), Labcorp
Classification: Pathogenic for Jeune thoracic dystrophy. Last evaluated: 2024-03-01. Review status: criteria provided, single submitter. Criteria: Invitae Variant Classification Sherloc (09022015). Collection method: clinical testing. Allele origin: germline.
Comment: This sequence change creates a premature translational stop signal (p.Arg3584*) in the DYNC2H1 gene. It is expected to result in an absent or disrupted protein product. Loss-of-function variants in DYNC2H1 are known to be pathogenic (PMID: 23339108, 32753734, 33755199). The frequency data for this variant in the population databases is considered unreliable, as metrics indicate poor data quality at this position in the gnomAD database. This variant has not been reported in the literature in individuals affected with DYNC2H1-related conditions. ClinVar contains an entry for this variant (Variation ID: 632149). For these reasons, this variant has been classified as Pathogenic.

Literature cited by the submitters: PubMed 23339108 (cited by Labcorp Genetics (formerly Invitae), Labcorp); PubMed 32753734 (cited by Labcorp Genetics (formerly Invitae), Labcorp); PubMed 33755199 (cited by Labcorp Genetics (formerly Invitae), Labcorp).